The following is an entry in ClinVar:

ClinVar aggregate classification (germline): Uncertain significance (1 of 4 stars; one submission).

Conditions:
Bardet-Biedl syndrome (BBS). Identifiers: Orphanet 110, MedGen C0752166, MONDO:0015229.

Allele frequency attached by ClinVar (database versions not stated): gnomAD exomes below 0.00001.
gnomAD v4.1: 2 of 1,614,168 alleles (0.00012%); highest among the groups gnomAD compares: African/African-American, 0.0027%; no homozygotes.

Submission:

Labcorp Genetics (formerly Invitae), Labcorp
Classification: Uncertain significance for Bardet-Biedl syndrome. Last evaluated: 2025-06-16. Review status: criteria provided, single submitter. Criteria: Invitae Variant Classification Sherloc (09022015). Collection method: clinical testing. Allele origin: germline.
Comment: This sequence change replaces glycine, which is neutral and non-polar, with alanine, which is neutral and non-polar, at codon 463 of the BBS4 protein (p.Gly463Ala). This variant is not present in population databases (gnomAD no frequency). This variant has not been reported in the literature in individuals affected with BBS4-related conditions. ClinVar contains an entry for this variant (Variation ID: 2189666). An algorithm developed to predict the effect of missense changes on protein structure and function (PolyPhen-2) suggests that this variant is likely to be disruptive. In summary, the available evidence is currently insufficient to determine the role of this variant in disease. Therefore, it has been classified as a Variant of Uncertain Significance.

NM_033028.5(BBS4):c.1388G>C (p.Gly463Ala)

Gene: BBS4 (Bardet-Biedl syndrome 4; plus strand). Cytogenetic location: 15q24.1.
Variant type: single nucleotide variant.
Coding change: c.1388G>C on transcript NM_033028.5 (MANE Select); coding-DNA position 1388, G replaced by C.
Protein change: p.Gly463Ala; replaces glycine 463 with alanine.
Molecular consequence: missense variant. On other transcripts: non-coding transcript variant (2).
Genome position (GRCh38, 1-based): chr15:72,736,901, G>C. VCF-style: chr15-72736901-G-C. GRCh37 (hg19) VCF-style: chr15-73029242-G-C.
Other names: c.872G>C, p.Gly291Ala (NM_001252678.2); c.1319G>C, p.Gly440Ala (NM_001320665.2); short protein forms G463A, G291A, G440A.
Identifiers: ClinVar variation 2189666 (VCV002189666.2), dbSNP rs2543017023, ClinGen allele CA393080949.